The following is an entry in ClinVar:

NM_001042492.3(NF1):c.2612G>T (p.Ser871Ile)

Gene: NF1 (neurofibromin 1; plus strand). Cytogenetic location: 17q11.2.
Variant type: single nucleotide variant.
Coding change: c.2612G>T on transcript NM_001042492.3 (MANE Select); coding-DNA position 2612, G replaced by T.
Protein change: p.Ser871Ile; replaces serine 871 with isoleucine.
Molecular consequence: missense variant.
Genome position (GRCh38, 1-based): chr17:31,229,227, G>T. VCF-style: chr17-31229227-G-T. GRCh37 (hg19) VCF-style: chr17-29556245-G-T.
Other names: c.2612G>T, p.Ser871Ile (NM_000267.4); short protein forms S871I.
Identifiers: ClinVar variation 4119122 (VCV004119122.1).

ClinVar aggregate classification (germline): Uncertain significance (1 of 4 stars; one submission).

Conditions:
Cardiovascular phenotype. Identifiers: MedGen CN230736.
Hereditary cancer-predisposing syndrome. Also called: Hereditary neoplastic syndrome; Neoplastic Syndromes, Hereditary; Tumor predisposition; Hereditary Cancer Syndrome. Identifiers: Orphanet 140162, MedGen C0027672, MeSH D009386, MONDO:0015356.

Submission:

Ambry Genetics
Classification: Uncertain significance for Cardiovascular phenotype; Hereditary cancer-predisposing syndrome. Last evaluated: 2025-07-28. Review status: criteria provided, single submitter. Criteria: Ambry Variant Classification Scheme 2023. Collection method: clinical testing. Allele origin: germline.
Comment: The p.S871I variant (also known as c.2612G>T), located in coding exon 21 of the NF1 gene, results from a G to T substitution at nucleotide position 2612. The serine at codon 871 is replaced by isoleucine, an amino acid with dissimilar properties. This amino acid position is conserved. In addition, this alteration is predicted to be tolerated by in silico analysis. Based on the available evidence, the clinical significance of this variant remains unclear.